The following is an entry in ClinVar:

ClinVar aggregate classification (germline): Uncertain significance (1 of 4 stars; one submission).

Allele frequency attached by ClinVar (database versions not stated): TOPMed below 0.00001; gnomAD exomes 0.00001.
gnomAD v4.1: 10 of 1,474,054 alleles (0.00068%); highest among the groups gnomAD compares: South Asian, 0.0013%; no homozygotes.

Submission:

Labcorp Genetics (formerly Invitae), Labcorp
Classification: Uncertain significance. Last evaluated: 2023-08-10. Review status: criteria provided, single submitter. Criteria: Invitae Variant Classification Sherloc (09022015). Collection method: clinical testing. Allele origin: germline.
Comment: This sequence change replaces asparagine, which is neutral and polar, with aspartic acid, which is acidic and polar, at codon 33 of the P4HB protein (p.Asn33Asp). This variant is not present in population databases (gnomAD no frequency). This variant has not been reported in the literature in individuals affected with P4HB-related conditions. ClinVar contains an entry for this variant (Variation ID: 2093718). Advanced modeling of protein sequence and biophysical properties (such as structural, functional, and spatial information, amino acid conservation, physicochemical variation, residue mobility, and thermodynamic stability) performed at Invitae indicates that this missense variant is not expected to disrupt P4HB protein function. In summary, the available evidence is currently insufficient to determine the role of this variant in disease. Therefore, it has been classified as a Variant of Uncertain Significance.

NM_000918.4(P4HB):c.97A>G (p.Asn33Asp)

Gene: P4HB (prolyl 4-hydroxylase subunit beta; minus strand). Cytogenetic location: 17q25.3.
Variant type: single nucleotide variant.
Coding change: c.97A>G on transcript NM_000918.4 (MANE Select); coding-DNA position 97, A replaced by G.
Protein change: p.Asn33Asp; replaces asparagine 33 with aspartic acid.
Molecular consequence: missense variant.
Genome position (GRCh38, 1-based): chr17:81,860,375, T>C on the plus strand (A>G on the coding strand, the complement: P4HB is on the minus strand). VCF-style: chr17-81860375-T-C. GRCh37 (hg19) VCF-style: chr17-79818251-T-C.
Other names: short protein forms N33D.
Identifiers: ClinVar variation 2093718 (VCV002093718.4), dbSNP rs964507296, ClinGen allele CA295131380.